The following is an entry in ClinVar:

ClinVar aggregate classification (germline): Likely benign (1 of 4 stars; one submission).

Allele frequency attached by ClinVar (database versions not stated): gnomAD exomes below 0.00001; ExAC 0.00001.

Submission:

GeneDx
Classification: Likely benign. Last evaluated: 2016-05-27. Review status: criteria provided, single submitter. Criteria: GeneDx Variant Classification (06012015). Collection method: clinical testing. Allele origin: germline. Affected: yes.
Comment: This variant is considered likely benign or benign based on one or more of the following criteria: it is a conservative change, it occurs at a poorly conserved position in the protein, it is predicted to be benign by multiple in silico algorithms, and/or has population frequency not consistent with disease.

NM_032382.5(COG8):c.585+11T>C

Gene: COG8 (component of oligomeric golgi complex 8; minus strand). Cytogenetic location: 16q22.1.
Variant type: single nucleotide variant.
Coding change: c.585+11T>C on transcript NM_032382.5 (MANE Select); 11 bases into the intron after coding-DNA position 585, T replaced by C.
Molecular consequence: intron variant.
Genome position (GRCh38, 1-based): chr16:69,336,494, A>G on the plus strand (T>C on the coding strand, the complement: COG8 is on the minus strand). VCF-style: chr16-69336494-A-G. GRCh37 (hg19) VCF-style: chr16-69370397-A-G.
Other names: c.585+11T>C (NM_001379266.1, NM_001379265.1, NM_001379262.1 and 4 more transcripts).
Identifiers: ClinVar variation 385805 (VCV000385805.1), dbSNP rs767424093, ClinGen allele CA8133924.
Genomic context (GRCh38, chr16:69,336,494, plus strand): 5'-CTTCAGTCCTGACCACAGAATAAATGATTACAAGAACATTACTTTGAGTCCTCTCTGGGC[A>G]AGGTGGCTACCTGGATGACAGGGATGGAAGAGTATTTCCTCTCCAGTCGGCGTACGTAGG-3'